The following is an entry in ClinVar:

ClinVar aggregate classification (germline): Uncertain significance (1 of 4 stars; one submission).

Allele frequency attached by ClinVar (database versions not stated): gnomAD 0.00001 and 0.00002; TOPMed 0.00002.
gnomAD v4.1: 10 of 1,610,372 alleles (0.00062%); highest among the groups gnomAD compares: Admixed American, 0.012%; no homozygotes.

Submission:

GeneDx
Classification: Uncertain significance. Last evaluated: 2025-08-08. Review status: criteria provided, single submitter. Criteria: GeneDx Variant Classification Process June 2021. Collection method: clinical testing. Allele origin: germline. Affected: yes.
Comment: In silico analysis suggests that this missense variant does not alter protein structure/function; Has not been previously published as pathogenic or benign to our knowledge

NM_004667.6(HERC2):c.304G>C (p.Val102Leu)

Gene: HERC2 (HECT and RLD domain containing E3 ubiquitin protein ligase 2; minus strand). Cytogenetic location: 15q13.1.
Variant type: single nucleotide variant.
Coding change: c.304G>C on transcript NM_004667.6 (MANE Select); coding-DNA position 304, G replaced by C.
Protein change: p.Val102Leu; replaces valine 102 with leucine.
Molecular consequence: missense variant.
Genome position (GRCh38, 1-based): chr15:28,292,906, C>G on the plus strand (G>C on the coding strand, the complement: HERC2 is on the minus strand). VCF-style: chr15-28292906-C-G. GRCh37 (hg19) VCF-style: chr15-28538052-C-G.
Other names: short protein forms V102L.
Identifiers: ClinVar variation 1321073 (VCV001321073.3), dbSNP rs750404031, ClinGen allele CA267910897.
Genomic context (GRCh38, chr15:28,292,906, plus strand): 5'-GTCAGATCAACCTTTCCAAAGTGCCAAAATTCACAAGATTACCTGGTTGCTTGCCCCATA[C>G]CCAGCTGTCCAGAATTGACTTGGCCCTATATATAGGTGCAGGAGTTTCTTCTTCATCTTT-3'
Protein context (NP_004658.3, residues 92-112): YRAKSILDSW[Val102Leu]WGKQPDVNEL